The following is an entry in ClinVar:

ClinVar aggregate classification (germline): Conflicting classifications of pathogenicity. Review status: criteria provided, conflicting classifications (1 of 4 stars). 10 submissions from 10 submitters: Uncertain significance (7); Likely benign (1). 2 of the submissions do not count toward it. Last evaluated 2026-06-25.

Conditions:
Peroxisome biogenesis disorder 4A (Zellweger) (PBD4A). Also called: Zellweger syndrome spectrum (PEX6-related). Identifiers: Orphanet 912, MedGen C3553936, MONDO:0013930, OMIM 614862. Disease mechanism: loss of function.
Peroxisome biogenesis disorder 4B (PBD4B). Also called: SPINOCEREBELLAR ATAXIA WITH BLINDNESS AND DEAFNESS 1. Identifiers: Orphanet 44, Orphanet 95433, MedGen C3553937, MONDO:0013931, OMIM 614863.
Heimler syndrome 2 (HMLR2). Also called: PEROXISOME BIOGENESIS DISORDER 4C. Identifiers: Orphanet 3220, MedGen C4225267, OMIM 616617, MONDO:0014709.
Inborn genetic diseases. Identifiers: MedGen C0950123, MeSH D030342.
Peroxisome biogenesis disorder. Identifiers: Orphanet 79189, MedGen C1832200, MONDO:0019234. Disease mechanism: loss of function.
PEX6-related disorder. Also called: PEX6-related condition; PEX6-related disorders.
Zellweger spectrum disorders (ZS). Also called: Zellweger Spectrum Disorder; Zellweger Spectrum; Zellweger syndrome; Zellweger Spectrum Disorder (ZSD). Identifiers: Orphanet 912, MedGen C0043459, MONDO:0019609.

Allele frequency attached by ClinVar (database versions not stated): TOPMed 0.00013; ExAC 0.00015; gnomAD 0.00023 and 0.00024.
gnomAD v4.1: 200 of 1,565,176 alleles (0.013%); highest among the groups gnomAD compares: Non-Finnish European, 0.016%; no homozygotes.

Submissions (10):

Women's Health and Genetics/Laboratory Corporation of America, LabCorp
Classification: Uncertain significance. Last evaluated: 2026-06-25. Review status: criteria provided, single submitter. Criteria: LabCorp Variant Classification Summary - May 2015. Collection method: clinical testing. Allele origin: germline.
Comment: Variant summary: PEX6 c.488G>C (p.Arg163Pro) results in a non-conservative amino acid change in the encoded protein sequence. Algorithms developed to predict the effect of missense changes on protein structure and function all suggest that this variant is likely to be disruptive. The variant allele was found at a frequency of 0.00011 in 167016 control chromosomes. This frequency is not significantly higher than estimated for disease-causing variants in PEX6, allowing no conclusion about variant significance. To our knowledge, no occurrence of c.488G>C in individuals affected with PEX6-related conditions and no experimental evidence demonstrating its impact on protein function have been reported. ClinVar contains an entry for this variant (Variation ID: 550215). Based on the evidence outlined above, the variant was classified as uncertain significance.

Greenwood Genetic Center Diagnostic Laboratories, Greenwood Genetic Center
Classification: Uncertain significance. Last evaluated: 2026-04-24. Review status: criteria provided, single submitter. Criteria: ACMG Guidelines, 2015. Collection method: clinical testing. Allele origin: germline.
Comment: PM2, PM3

PreventionGenetics, part of Exact Sciences
Classification: Uncertain significance for PEX6-related condition. Last evaluated: 2026-01-06. Review status: criteria provided, single submitter. Criteria: ACMG Guidelines, 2015. Collection method: clinical testing. Allele origin: germline.
Comment: The PEX6 c.488G>C variant is predicted to result in the amino acid substitution p.Arg163Pro. This variant was reported in an individual with tetralogy of Fallot (Grunert et al. 2014. PubMed ID: 24459294). This variant is reported in 0.041% of alleles in individuals of European (Non-Finnish) descent in gnomAD. At this time, the clinical significance of this variant is uncertain due to the absence of conclusive functional and genetic evidence.

Labcorp Genetics (formerly Invitae), Labcorp
Classification: Uncertain significance for Peroxisome biogenesis disorder. Last evaluated: 2024-12-16. Review status: criteria provided, single submitter. Criteria: Invitae Variant Classification Sherloc (09022015). Collection method: clinical testing. Allele origin: germline.
Comment: This sequence change replaces arginine, which is basic and polar, with proline, which is neutral and non-polar, at codon 163 of the PEX6 protein (p.Arg163Pro). This variant is present in population databases (rs778791031, gnomAD 0.04%). This variant has not been reported in the literature in individuals affected with PEX6-related conditions. ClinVar contains an entry for this variant (Variation ID: 550215). An algorithm developed to predict the effect of missense changes on protein structure and function (PolyPhen-2) suggests that this variant is likely to be disruptive. In summary, the available evidence is currently insufficient to determine the role of this variant in disease. Therefore, it has been classified as a Variant of Uncertain Significance.

Fulgent Genetics
Classification: Uncertain significance for Peroxisome biogenesis disorder 4A (Zellweger); Peroxisome biogenesis disorder 4B; Heimler syndrome 2. Last evaluated: 2024-03-26. Review status: criteria provided, single submitter. Criteria: ACMG Guidelines, 2015. Collection method: clinical testing. Allele origin: germline.

Ambry Genetics
Classification: Likely benign for Inborn genetic diseases. Last evaluated: 2021-10-16. Review status: criteria provided, single submitter. Criteria: Ambry Variant Classification Scheme 2023. Collection method: clinical testing. Allele origin: germline.

Revvity Omics, Revvity
Classification: Uncertain significance. Last evaluated: 2019-08-22. Review status: criteria provided, single submitter. Criteria: ACMG Guidelines, 2015. Collection method: clinical testing. Allele origin: germline.

Eurofins Ntd Llc (ga)
Classification: Uncertain significance. Last evaluated: 2018-01-23. Review status: criteria provided, single submitter. Criteria: EGL Classification Definitions 2015. Collection method: clinical testing. Allele origin: germline. Observed: 1 variant allele, 1 heterozygote.

Natera, Inc.
Classification: Uncertain significance for Zellweger syndrome. Last evaluated: 2020-01-21. Review status: no assertion criteria provided. Collection method: clinical testing. Allele origin: germline. Not counted in ClinVar's aggregate classification.

Counsyl
Classification: Uncertain significance for Peroxisome biogenesis disorder 4A (Zellweger); Peroxisome biogenesis disorder 4B. Last evaluated: 2017-01-04. Review status: no assertion criteria provided. Collection method: clinical testing. Allele origin: unknown. Not counted in ClinVar's aggregate classification.

Literature cited by the submitters: PubMed 24459294 (cited by Counsyl).

NM_000287.4(PEX6):c.488G>C (p.Arg163Pro)

Gene: PEX6 (peroxisomal biogenesis factor 6; minus strand). Cytogenetic location: 6p21.1.
Variant type: single nucleotide variant.
Coding change: c.488G>C on transcript NM_000287.4 (MANE Select); coding-DNA position 488, G replaced by C.
Protein change: p.Arg163Pro; replaces arginine 163 with proline.
Molecular consequence: missense variant. On other transcripts: non-coding transcript variant (1).
Genome position (GRCh38, 1-based): chr6:42,978,663, C>G on the plus strand (G>C on the coding strand, the complement: PEX6 is on the minus strand). VCF-style: chr6-42978663-C-G. GRCh37 (hg19) VCF-style: chr6-42946401-C-G.
Other names: c.488G>C, p.Arg163Pro (NM_001316313.2); short protein forms R163P.
Identifiers: ClinVar variation 550215 (VCV000550215.19), dbSNP rs778791031, ClinGen allele CA3811614.
Genomic context (GRCh38, chr6:42,978,663, plus strand): 5'-GACACCACGGGCGGGGGTGGGGGCCGACTGCTGTCCCCAGACTCTGGACACAGTCTGGCC[C>G]GCCCGCGGAGCTCAGTCACAGCCAGCCGAGTCCCTGGGCCCAGCAGCCCTTGCAACGCCG-3'
Protein context (NP_000278.3, residues 153-173): TRLAVTELRG[Arg163Pro]ARLCPESGDS